The following is an entry in ClinVar:

NM_015058.2(VWA8):c.4409+4A>G

Gene: VWA8 (von Willebrand factor A domain containing 8; minus strand). Cytogenetic location: 13q14.11.
Variant type: single nucleotide variant.
Coding change: c.4409+4A>G on transcript NM_015058.2 (MANE Select); 4 bases into the intron after coding-DNA position 4409, A replaced by G.
Molecular consequence: intron variant.
Genome position (GRCh38, 1-based): chr13:41,675,211, T>C on the plus strand (A>G on the coding strand, the complement: VWA8 is on the minus strand). VCF-style: chr13-41675211-T-C. GRCh37 (hg19) VCF-style: chr13-42249347-T-C.
Identifiers: ClinVar variation 4855731 (VCV004855731.1).
Genomic context (GRCh38, chr13:41,675,211, plus strand): 5'-CTTAGCAAGAATTTACTCATTTTTTATGACATACTAAGCTAAGAACAAAGGTGAAATGGA[T>C]TACCTGGGAATAGGGATATATCGGAGTTTCTTTGATTGAAGATCAGTGACTTCTATATAA-3'

ClinVar aggregate classification (germline): Uncertain significance (1 of 4 stars; one submission).

Conditions:
Retinitis pigmentosa 97 (RP97). Identifiers: MedGen C5830579, MONDO:0957314, OMIM 620422.

Submission:

3billion
Classification: Uncertain significance for Retinitis pigmentosa 97. Last evaluated: 2026-01-22. Review status: criteria provided, single submitter. Criteria: ACMG Guidelines, 2015. Collection method: clinical testing. Allele origin: germline. Affected: yes.
Comment: The variant is not observed in the gnomAD v4.1.0 dataset. Predicted Consequence/Location: Intron variant In silico tools predict the variant to alter splicing and produce an abnormal transcript [SpliceAI: 0.47 (>=0.2, moderate evidence for spliceogenicity)]. Therefore, this variant is classified as VUS according to the recommendation of ACMG/AMP guideline.